The following is an entry in ClinVar:

ClinVar aggregate classification (germline): Uncertain significance (1 of 4 stars; one submission).

Allele frequency attached by ClinVar (database versions not stated): TOPMed below 0.00001; gnomAD exomes 0.00001.
gnomAD v4.1: 5 of 1,613,966 alleles (0.00031%); no homozygotes.

Submission:

Labcorp Genetics (formerly Invitae), Labcorp
Classification: Uncertain significance. Last evaluated: 2024-02-21. Review status: criteria provided, single submitter. Criteria: Invitae Variant Classification Sherloc (09022015). Collection method: clinical testing. Allele origin: germline.
Comment: This sequence change replaces asparagine, which is neutral and polar, with isoleucine, which is neutral and non-polar, at codon 3007 of the HERC1 protein (p.Asn3007Ile). This variant is not present in population databases (gnomAD no frequency). This variant has not been reported in the literature in individuals affected with HERC1-related conditions. ClinVar contains an entry for this variant (Variation ID: 1523192). Advanced modeling of protein sequence and biophysical properties (such as structural, functional, and spatial information, amino acid conservation, physicochemical variation, residue mobility, and thermodynamic stability) performed at Invitae indicates that this missense variant is not expected to disrupt HERC1 protein function with a negative predictive value of 80%. In summary, the available evidence is currently insufficient to determine the role of this variant in disease. Therefore, it has been classified as a Variant of Uncertain Significance.

NM_003922.4(HERC1):c.9020A>T (p.Asn3007Ile)

Gene: HERC1 (HECT and RLD domain containing E3 ubiquitin protein ligase family member 1; minus strand). Cytogenetic location: 15q22.31.
Variant type: single nucleotide variant.
Coding change: c.9020A>T on transcript NM_003922.4 (MANE Select); coding-DNA position 9020, A replaced by T.
Protein change: p.Asn3007Ile; replaces asparagine 3007 with isoleucine.
Molecular consequence: missense variant.
Genome position (GRCh38, 1-based): chr15:63,661,903, T>A on the plus strand (A>T on the coding strand, the complement: HERC1 is on the minus strand). VCF-style: chr15-63661903-T-A. GRCh37 (hg19) VCF-style: chr15-63954102-T-A.
Other names: short protein forms N3007I.
Identifiers: ClinVar variation 1523192 (VCV001523192.8), dbSNP rs2070377785, ClinGen allele CA392761814.